The following is an entry in ClinVar:

NM_007194.4(CHEK2):c.1376-3T>C

Gene: CHEK2 (checkpoint kinase 2; minus strand). Cytogenetic location: 22q12.1.
Variant type: single nucleotide variant.
Coding change: c.1376-3T>C on transcript NM_007194.4 (MANE Select); 3 bases into the intron before coding-DNA position 1376, T replaced by C.
Molecular consequence: intron variant.
Genome position (GRCh38, 1-based): chr22:28,694,120, A>G on the plus strand (T>C on the coding strand, the complement: CHEK2 is on the minus strand). VCF-style: chr22-28694120-A-G. GRCh37 (hg19) VCF-style: chr22-29090108-A-G.
Other names: c.713-3T>C (NM_001437942.1, NM_001257387.3); c.1175-3T>C (NM_001349956.3); c.1289-3T>C (NM_145862.3); c.1382-3T>C (NM_001438295.1); c.1469-3T>C (NM_001438293.1); c.1418-3T>C (NM_001438294.1); c.1505-3T>C (NM_001005735.3).
Identifiers: ClinVar variation 819031 (VCV000819031.8), dbSNP rs1601716711, ClinGen allele CA915952839.
Genomic context (GRCh38, chr22:28,694,120, plus strand): 5'-TCTGTCGTAAAACGTGCCTTTGGATCCACTACCAACAACTTCTTGACAAGGTCCAGAGCT[A>G]AAGCAACAATTGGGCAAATCACAGTGAAAAGGATAAATATATTATCAGTAAGAGTATGCC-3'

ClinVar aggregate classification (germline): Conflicting classifications of pathogenicity. Review status: criteria provided, conflicting classifications (1 of 4 stars). 3 submissions from 3 submitters: Uncertain significance (1); Likely benign (2). Last evaluated 2025-12-15.

Conditions:
Familial cancer of breast. Also called: hereditary breast carcinoma; Hereditary breast cancer; BREAST CANCER, FAMILIAL. Identifiers: Orphanet 227535, MedGen C0346153, MONDO:0016419, OMIM 114480. Disease mechanism: loss of function.
Hereditary cancer-predisposing syndrome. Also called: Tumor predisposition; Hereditary neoplastic syndrome; Neoplastic Syndromes, Hereditary; Hereditary Cancer Syndrome. Identifiers: Orphanet 140162, MedGen C0027672, MeSH D009386, MONDO:0015356.

Submissions (3):

Labcorp Genetics (formerly Invitae), Labcorp
Classification: Likely benign for Familial cancer of breast. Last evaluated: 2025-12-15. Review status: criteria provided, single submitter. Criteria: Invitae Variant Classification Sherloc (09022015). Collection method: clinical testing. Allele origin: germline.

Myriad Genetics, Inc.
Classification: Likely benign for Familial cancer of breast. Last evaluated: 2024-10-08. Review status: criteria provided, single submitter. Criteria: Myriad Autosomal Dominant, Autosomal Recessive and X-Linked Classification Criteria (2023). Collection method: clinical testing. Allele origin: unknown.
Comment: This variant is considered likely benign. This variant is intronic and is not expected to impact mRNA splicing.

Ambry Genetics
Classification: Uncertain significance for Hereditary cancer-predisposing syndrome. Last evaluated: 2023-03-28. Review status: criteria provided, single submitter. Criteria: Ambry Variant Classification Scheme 2023. Collection method: clinical testing. Allele origin: germline.
Comment: The c.1376-3T>C intronic variant results from a T to C substitution 3 nucleotides upstream from coding exon 12 in the CHEK2 gene. This nucleotide position is well conserved in available vertebrate species. In silico splice site analysis predicts that this alteration will not have any significant effect on splicing. Since supporting evidence is limited at this time, the clinical significance of this alteration remains unclear.